The following is an entry in ClinVar:

ClinVar aggregate classification (germline): Benign/Likely benign. Review status: criteria provided, multiple submitters, no conflicts (2 of 4 stars). 4 submissions from 3 submitters: Benign (2); Likely benign (2). Last evaluated 2018-07-06.

Conditions:
Jervell and Lange-Nielsen syndrome 2 (JLNS2). Identifiers: Orphanet 768, Orphanet 90647, MedGen C2676723, MONDO:0012871, OMIM 612347.
Long QT syndrome 5 (LQT5). Identifiers: Orphanet 101016, Orphanet 768, MedGen C1867904, MONDO:0013372, OMIM 613695.

Allele frequency attached by ClinVar (database versions not stated): gnomAD exomes 0.00100; TOPMed 0.00847; gnomAD 0.01093; 1000 Genomes Project 30x 0.01218; 1000 Genomes Project 0.01278.

Submissions (4):

GeneDx
Classification: Likely benign. Last evaluated: 2018-07-06. Review status: criteria provided, single submitter. Criteria: GeneDx Variant Classification Process June 2021. Collection method: clinical testing. Allele origin: germline. Affected: yes.

Illumina Laboratory Services, Illumina
Classification: Benign for Long QT syndrome 5. Last evaluated: 2018-01-12. Review status: criteria provided, single submitter. Criteria: ICSL Variant Classification Criteria 13 December 2019. Collection method: clinical testing. Allele origin: germline.
Comment: This variant was observed in the ICSL laboratory as part of a predisposition screen in an ostensibly healthy population. It had not been previously curated by ICSL or reported in the Human Gene Mutation Database (HGMD: prior to June 1st, 2018), and was therefore a candidate for classification through an automated scoring system. Utilizing variant allele frequency, disease prevalence and penetrance estimates, and inheritance mode, an automated score was calculated to assess if this variant is too frequent to cause the disease. Based on the score and internal cut-off values, a variant classified as benign is not then subjected to further curation. The score for this variant resulted in a classification of benign for this disease.

Illumina Laboratory Services, Illumina
Classification: Benign for Jervell and Lange-Nielsen syndrome 2. Last evaluated: 2018-01-12. Review status: criteria provided, single submitter. Criteria: ICSL Variant Classification Criteria 13 December 2019. Collection method: clinical testing. Allele origin: germline.
Comment: the same text as in the submission from Illumina Laboratory Services, Illumina above.

Breakthrough Genomics
Classification: Likely benign. Review status: criteria provided, single submitter. Criteria: ACMG Guidelines, 2015. Collection method: not provided. Allele origin: germline. Inheritance: Autosomal recessive inheritance. Affected: yes.

NM_000219.6(KCNE1):c.*268C>T

Gene: KCNE1 (potassium voltage-gated channel subfamily E regulatory subunit 1; minus strand). Cytogenetic location: 21q22.12.
Variant type: single nucleotide variant.
Coding change: c.*268C>T on transcript NM_000219.6 (MANE Select); 268 bases downstream of the stop codon, C replaced by T.
Molecular consequence: 3 prime UTR variant.
Genome position (GRCh38, 1-based): chr21:34,448,977, G>A on the plus strand (C>T on the coding strand, the complement: KCNE1 is on the minus strand). VCF-style: chr21-34448977-G-A. GRCh37 (hg19) VCF-style: chr21-35821275-G-A.
Other names: c.*268C>T (NM_001127668.4, NM_001127669.4, NM_001127670.4 and 4 more transcripts).
Identifiers: ClinVar variation 339766 (VCV000339766.9), dbSNP rs41314807, ClinGen allele CA10650391.